The following is an entry in ClinVar:

ClinVar aggregate classification (germline): Conflicting classifications of pathogenicity. Review status: criteria provided, conflicting classifications (1 of 4 stars). 11 submissions from 11 submitters: Uncertain significance (3); Likely benign (6). 2 of the submissions do not count toward it. Last evaluated 2026-02-02.

Conditions:
Cholesteryl ester storage disease (CESD). Also called: Childhood/Adult-Onset LAL-D (Cholesterol Ester Storage Disease [CESD]). Identifiers: Orphanet 75234, MedGen C0008384, MONDO:0019149, OMIM 278000.
LIPA-related disorder. Also called: LIPA-related disorders; LIPA-related condition.
Lysosomal acid lipase deficiency. Also called: Acid cholesteryl ester hydrolase deficiency, type 2. Identifiers: Orphanet 275761, MedGen C5574740, MONDO:0800449, MONDO:0010204.
Wolman disease (WOLD). Also called: Acid cholesteryl ester hydrolase deficiency, Wolman type; Acid lipase disease; LYSOSOMAL ACID LIPASE DEFICIENCY, ACUTE INFANTILE; LYSOSOMAL ACID LIPASE DEFICIENCY, COMPLETE; LIPA DEFICIENCY, COMPLETE; LAL DEFICIENCY, COMPLETE. Identifiers: Orphanet 75233, MedGen C0043208, MONDO:0019148, OMIM 620151.
Cardiovascular phenotype. Identifiers: MedGen CN230736.

Allele frequency attached by ClinVar (database versions not stated): ExAC 0.00026; gnomAD exomes 0.00029 and 0.00061; gnomAD 0.00039 and 0.00042; TOPMed 0.00049; ESP Exome Variant Server 0.00054; 1000 Genomes Project 0.00080; 1000 Genomes Project 30x 0.00094.
gnomAD v4.1: 941 of 1,603,646 alleles (0.059%); highest among the groups gnomAD compares: Non-Finnish European, 0.075%; 2 homozygotes.

Submissions (11):

Labcorp Genetics (formerly Invitae), Labcorp
Classification: Likely benign for Wolman disease. Last evaluated: 2026-02-02. Review status: criteria provided, single submitter. Criteria: Invitae Variant Classification Sherloc (09022015). Collection method: clinical testing. Allele origin: germline.

Mayo Clinic Laboratories, Mayo Clinic
Classification: Likely benign. Last evaluated: 2024-12-20. Review status: criteria provided, single submitter. Criteria: ACMG Guidelines, 2015. Collection method: clinical testing. Allele origin: germline. Observed: 3 variant alleles.
Comment: BP4, BP7, PM2_supporting

Blueprint Genetics
Classification: Likely benign. Last evaluated: 2024-11-21. Review status: criteria provided, single submitter. Criteria: ACMG Guidelines, 2015. Collection method: clinical testing. Allele origin: germline.

GENinCode PLC
Classification: Likely benign for Lysosomal acid lipase deficiency. Last evaluated: 2024-06-13. Review status: criteria provided, single submitter. Criteria: ACMG Guidelines, 2015. Collection method: clinical testing. Allele origin: germline.
Comment: This is a synonymous (silent) variant that is not predicted by SpliceAI to impact splicing. In addition, it occurs at a nucleotide that is not conserved. Therefore this variant has been classified as Likely Benign (BP4, BP7).

Women's Health and Genetics/Laboratory Corporation of America, LabCorp
Classification: Likely benign. Last evaluated: 2024-02-06. Review status: criteria provided, single submitter. Criteria: LabCorp Variant Classification Summary - May 2015. Collection method: clinical testing. Allele origin: germline.

Ambry Genetics
Classification: Likely benign for Cardiovascular phenotype. Last evaluated: 2023-06-15. Review status: criteria provided, single submitter. Criteria: Ambry Variant Classification Scheme 2023. Collection method: clinical testing. Allele origin: germline.

GeneDx
Classification: Uncertain significance. Last evaluated: 2020-10-02. Review status: criteria provided, single submitter. Criteria: GeneDx Variant Classification Process June 2021. Collection method: clinical testing. Allele origin: germline. Affected: yes.
Comment: This variant is associated with the following publications: (PMID: 28502505)

Illumina Laboratory Services, Illumina
Classification: Uncertain significance for Cholesteryl ester storage disease. Last evaluated: 2018-01-13. Review status: criteria provided, single submitter. Criteria: ICSL Variant Classification Criteria 13 December 2019. Collection method: clinical testing. Allele origin: germline.

Eurofins Ntd Llc (ga)
Classification: Uncertain significance. Last evaluated: 2016-11-28. Review status: criteria provided, single submitter. Criteria: EGL Classification Definitions 2015. Collection method: clinical testing. Allele origin: germline. Observed: 2 variant alleles, 2 heterozygotes.

PreventionGenetics, part of Exact Sciences
Classification: Likely benign for LIPA-related condition. Last evaluated: 2021-04-20. Review status: no assertion criteria provided. Collection method: clinical testing. Allele origin: germline. Not counted in ClinVar's aggregate classification.
Comment: This variant is classified as likely benign based on ACMG/AMP sequence variant interpretation guidelines (Richards et al. 2015 PMID: 25741868, with internal and published modifications).

Counsyl
Classification: Uncertain significance for Cholesteryl ester storage disease. Last evaluated: 2018-03-07. Review status: no assertion criteria provided. Collection method: clinical testing. Allele origin: unknown. Not counted in ClinVar's aggregate classification.

Literature cited by the submitters: PubMed 28502505 (cited by Counsyl).

NM_000235.4(LIPA):c.891C>T (p.Ser297=)

Gene: LIPA (lipase A, lysosomal acid type; minus strand). Cytogenetic location: 10q23.31.
Variant type: single nucleotide variant.
Coding change: c.891C>T on transcript NM_000235.4 (MANE Select); coding-DNA position 891, C replaced by T.
Protein change: p.Ser297=; no amino-acid change (serine 297 retained).
Molecular consequence: synonymous variant.
Genome position (GRCh38, 1-based): chr10:89,222,514, G>A on the plus strand (C>T on the coding strand, the complement: LIPA is on the minus strand). VCF-style: chr10-89222514-G-A. GRCh37 (hg19) VCF-style: chr10-90982271-G-A.
Other names: p.Ser297=; c.891C>T, p.Ser297= (NM_001127605.3); c.543C>T, p.Ser181= (NM_001288979.2).
Identifiers: ClinVar variation 301575 (VCV000301575.33), dbSNP rs145066614, ClinGen allele CA5593582.
Genomic context (GRCh38, chr10:89,222,514, plus strand): 5'-CAGACCTTTCTGATGTTGATTTTACATGAACCCCAAATGCACTCCTGGAATGCCTACCTG[G>A]CTCCAGTGTAACATGTTTTGCACAGAAGTTCCAGCAGGAGAATGTGTTGTATATACATCC-3'
Protein context (NP_000226.2, residues 287-307): GTSVQNMLHW[Ser297=]QAVKFQKFQA